The following is an entry in ClinVar:

NM_020944.3(GBA2):c.29G>A (p.Gly10Glu)

Gene: GBA2 (glucosylceramidase beta 2; minus strand). Cytogenetic location: 9p13.3.
Variant type: single nucleotide variant.
Coding change: c.29G>A on transcript NM_020944.3 (MANE Select); coding-DNA position 29, G replaced by A.
Protein change: p.Gly10Glu; replaces glycine 10 with glutamic acid.
Molecular consequence: missense variant.
Genome position (GRCh38, 1-based): chr9:35,748,676, C>T on the plus strand (G>A on the coding strand, the complement: GBA2 is on the minus strand). VCF-style: chr9-35748676-C-T. GRCh37 (hg19) VCF-style: chr9-35748673-C-T.
Other names: p.Gly10Glu; c.29G>A, p.Gly10Glu (NM_001330660.2); short protein forms G10E.
Identifiers: ClinVar variation 507860 (VCV000507860.13), dbSNP rs779487525, ClinGen allele CA5050801.
Genomic context (GRCh38, chr9:35,748,676, plus strand): 5'-CAATAAACTTGTGGATCCTCTTTGGCACAGCTTATCTGCTCCGAGGCTGGGACGCCGGTT[C>T]CCATGTTCCCTGGATCCTGGGTCCCCATGACCTCGATGGCGCCAAGTCCCGAGCCCTCGG-3'
Protein context (NP_065995.1, residues 1-20): MGTQDPGNM[Gly10Glu]TGVPASEQIS

ClinVar aggregate classification (germline): Likely benign. Review status: criteria provided, multiple submitters, no conflicts (2 of 4 stars). 5 submissions from 5 submitters: Likely benign (4). 1 of the submissions does not count toward it. Last evaluated 2026-01-15.

Conditions:
GBA2-related disorder. Also called: GBA2-related condition.
Spastic paraplegia. Identifiers: MedGen C0037772, HP:0001258.

Allele frequency attached by ClinVar (database versions not stated): gnomAD 0.00009 and 0.00011; TOPMed 0.00035; ExAC 0.00079; gnomAD exomes 0.00089.

Submissions (5):

Labcorp Genetics (formerly Invitae), Labcorp
Classification: Likely benign for Spastic paraplegia. Last evaluated: 2026-01-15. Review status: criteria provided, single submitter. Criteria: Invitae Variant Classification Sherloc (09022015). Collection method: clinical testing. Allele origin: germline.

Mayo Clinic Laboratories, Mayo Clinic
Classification: Likely benign. Last evaluated: 2025-06-24. Review status: criteria provided, single submitter. Criteria: ACMG Guidelines, 2015. Collection method: clinical testing. Allele origin: germline. Observed: 1 variant allele.
Comment: BS1, BP4_moderate

Blueprint Genetics
Classification: Likely benign. Last evaluated: 2023-09-14. Review status: criteria provided, single submitter. Criteria: ACMG Guidelines, 2015. Collection method: clinical testing. Allele origin: germline.

GeneDx
Classification: Likely benign. Last evaluated: 2017-03-21. Review status: criteria provided, single submitter. Criteria: GeneDx Variant Classification (06012015). Collection method: clinical testing. Allele origin: germline. Affected: yes.
Comment: This variant is considered likely benign or benign based on one or more of the following criteria: it is a conservative change, it occurs at a poorly conserved position in the protein, it is predicted to be benign by multiple in silico algorithms, and/or has population frequency not consistent with disease.

PreventionGenetics, part of Exact Sciences
Classification: Likely benign for GBA2-related condition. Last evaluated: 2022-06-07. Review status: no assertion criteria provided. Collection method: clinical testing. Allele origin: germline. Not counted in ClinVar's aggregate classification.
Comment: This variant is classified as likely benign based on ACMG/AMP sequence variant interpretation guidelines (Richards et al. 2015 PMID: 25741868, with internal and published modifications).